The following is an entry in ClinVar:

ClinVar aggregate classification (germline): Likely benign. Review status: criteria provided, multiple submitters, no conflicts (2 of 4 stars). 5 submissions from 5 submitters: Likely benign (5). Last evaluated 2024-05-31.

Conditions:
Familial thoracic aortic aneurysm and aortic dissection (TAAD). Also called: Thoracic aortic aneurysms and dissections. Identifiers: Orphanet 91387, MedGen C4707243, MONDO:0019625.
Aneurysm-osteoarthritis syndrome. Also called: Loeys-Dietz syndrome, type 1C; ANEURYSMS-OSTEOARTHRITIS SYNDROME; SMAD3-Related Loeys-Dietz Syndrome; LOEYS-DIETZ SYNDROME WITH OSTEOARTHRITIS. Identifiers: Orphanet 284984, MedGen C3151087, MONDO:0013426, OMIM 613795.

Allele frequency attached by ClinVar (database versions not stated): TOPMed below 0.00001; gnomAD exomes 0.00001 and 0.00002; gnomAD 0.00002; ExAC 0.00004.
gnomAD v4.1: 26 of 1,613,622 alleles (0.0016%); highest among the groups gnomAD compares: Middle Eastern, 0.016%; no homozygotes.

Submissions (5):

Blueprint Genetics
Classification: Likely benign. Last evaluated: 2024-05-31. Review status: criteria provided, single submitter. Criteria: ACMG Guidelines, 2015. Collection method: clinical testing. Allele origin: germline.

Labcorp Genetics (formerly Invitae), Labcorp
Classification: Likely benign for Familial thoracic aortic aneurysm and aortic dissection. Last evaluated: 2024-04-16. Review status: criteria provided, single submitter. Criteria: Invitae Variant Classification Sherloc (09022015). Collection method: clinical testing. Allele origin: germline.

All of Us Research Program, National Institutes of Health
Classification: Likely benign for Aneurysm-osteoarthritis syndrome. Last evaluated: 2023-10-02. Review status: criteria provided, single submitter. Criteria: ACMG Guidelines, 2015. Collection method: clinical testing. Allele origin: germline. Inheritance: Autosomal dominant inheritance. Observed: 4 variant alleles, 4 heterozygotes.
Comment: This study involves interpretation of variants in research participants for the purpose of population health screening. Participant phenotype was not available at the time of variant classification. Additional details can be found in publication PMID: 35346344, PMCID: PMC8962531

Ambry Genetics
Classification: Likely benign for Familial thoracic aortic aneurysm and aortic dissection. Last evaluated: 2023-05-29. Review status: criteria provided, single submitter. Criteria: Ambry Variant Classification Scheme 2023. Collection method: clinical testing. Allele origin: germline.

Color Diagnostics, LLC DBA Color Health
Classification: Likely benign for Familial thoracic aortic aneurysm and aortic dissection. Last evaluated: 2018-09-28. Review status: criteria provided, single submitter. Criteria: ACMG Guidelines, 2015. Collection method: clinical testing. Allele origin: germline.

NM_005902.4(SMAD3):c.102G>T (p.Ala34=)

Gene: SMAD3 (SMAD family member 3; plus strand). Cytogenetic location: 15q22.33.
Variant type: single nucleotide variant.
Coding change: c.102G>T on transcript NM_005902.4 (MANE Select); coding-DNA position 102, G replaced by T.
Protein change: p.Ala34=; no amino-acid change (alanine 34 retained).
Molecular consequence: synonymous variant.
Genome position (GRCh38, 1-based): chr15:67,066,256, G>T. VCF-style: chr15-67066256-G-T. GRCh37 (hg19) VCF-style: chr15-67358594-G-T.
Identifiers: ClinVar variation 629397 (VCV000629397.16), dbSNP rs748990258, ClinGen allele CA061564.